The following is an entry in ClinVar:

ClinVar aggregate classification (germline): Uncertain significance (1 of 4 stars; one submission).

Allele frequency attached by ClinVar (database versions not stated): gnomAD exomes below 0.00001.
gnomAD v4.1: 1 of 1,613,770 alleles (0.000062%); highest among the groups gnomAD compares: Non-Finnish European, 0.000085%; no homozygotes.

Submission:

GeneDx
Classification: Uncertain significance. Last evaluated: 2019-10-04. Review status: criteria provided, single submitter. Criteria: GeneDx Variant Classification Process June 2021. Collection method: clinical testing. Allele origin: germline. Affected: yes.
Comment: In silico analysis, which includes protein predictors and evolutionary conservation, supports a deleterious effect; Has not been previously published as pathogenic or benign to our knowledge

NM_020338.4(ZMIZ1):c.3032C>T (p.Ser1011Phe)

Gene: ZMIZ1 (zinc finger MIZ-type containing 1; plus strand). Cytogenetic location: 10q22.3.
Variant type: single nucleotide variant.
Coding change: c.3032C>T on transcript NM_020338.4 (MANE Select); coding-DNA position 3032, C replaced by T.
Protein change: p.Ser1011Phe; replaces serine 1011 with phenylalanine.
Molecular consequence: missense variant.
Genome position (GRCh38, 1-based): chr10:79,311,120, C>T. VCF-style: chr10-79311120-C-T. GRCh37 (hg19) VCF-style: chr10-81070877-C-T.
Other names: short protein forms S1011F.
Identifiers: ClinVar variation 1309035 (VCV001309035.2), dbSNP rs1232936903, ClinGen allele CA377344842.
Genomic context (GRCh38, chr10:79,311,120, plus strand): 5'-GGCAGCCGCCACAGGCCGCTCCCAGCAGCCATCCACACAGCGACCTGACCTTTAACCCCT[C>T]CTCAGCCTTAGAGGGTCAGGCCGGAGCGCAGGGAGCGTCCGACATGCCGGAGCCTTCGCT-3'
Protein context (NP_065071.1, residues 1001-1021): HPHSDLTFNP[Ser1011Phe]SALEGQAGAQ